The following is an entry in ClinVar:

NM_004181.5(UCHL1):c.347A>T (p.Gln116Leu)

Gene: UCHL1 (ubiquitin C-terminal hydrolase L1; plus strand). Cytogenetic location: 4p13.
Variant type: single nucleotide variant.
Coding change: c.347A>T on transcript NM_004181.5 (MANE Select); coding-DNA position 347, A replaced by T.
Protein change: p.Gln116Leu; replaces glutamine 116 with leucine.
Molecular consequence: missense variant.
Genome position (GRCh38, 1-based): chr4:41,261,736, A>T. VCF-style: chr4-41261736-A-T. GRCh37 (hg19) VCF-style: chr4-41263753-A-T.
Other names: short protein forms Q116L.
Identifiers: ClinVar variation 2873279 (VCV002873279.3), dbSNP rs372479324, ClinGen allele CA2899991.
Genomic context (GRCh38, chr4:41,261,736, plus strand): 5'-TTATTTTACCTATACTAACACATCCATTTTTTTTTTAAGAGGATGGATCAGTTCTGAAAC[A>T]GTTTCTTTCTGAAACAGAGAAAATGTCCCCTGAAGACAGAGCAAAATGCTTTGAAAAGAA-3'
Protein context (NP_004172.2, residues 106-126): LGFEDGSVLK[Gln116Leu]FLSETEKMSP

ClinVar aggregate classification (germline): Uncertain significance (1 of 4 stars; one submission).

Allele frequency attached by ClinVar (database versions not stated): ExAC 0.00001; gnomAD 0.00001; TOPMed 0.00001; ESP Exome Variant Server 0.00008.

Submission:

Labcorp Genetics (formerly Invitae), Labcorp
Classification: Uncertain significance. Last evaluated: 2023-08-03. Review status: criteria provided, single submitter. Criteria: Invitae Variant Classification Sherloc (09022015). Collection method: clinical testing. Allele origin: germline.
Comment: The frequency data for this variant in the population databases is considered unreliable, as metrics indicate poor data quality at this position in the gnomAD database. This sequence change replaces glutamine, which is neutral and polar, with leucine, which is neutral and non-polar, at codon 116 of the UCHL1 protein (p.Gln116Leu). Algorithms developed to predict the effect of sequence changes on RNA splicing suggest that this variant may create or strengthen a splice site. An algorithm developed to predict the effect of missense changes on protein structure and function (PolyPhen-2) suggests that this variant is likely to be tolerated. This variant has not been reported in the literature in individuals affected with UCHL1-related conditions. In summary, the available evidence is currently insufficient to determine the role of this variant in disease. Therefore, it has been classified as a Variant of Uncertain Significance.